The following is an entry in ClinVar:

NM_003737.4(DCHS1):c.2996G>A (p.Arg999Gln)

Gene: DCHS1 (dachsous cadherin-related 1; minus strand). Cytogenetic location: 11p15.4.
Variant type: single nucleotide variant.
Coding change: c.2996G>A on transcript NM_003737.4 (MANE Select); coding-DNA position 2996, G replaced by A.
Protein change: p.Arg999Gln; replaces arginine 999 with glutamine.
Molecular consequence: missense variant.
Genome position (GRCh38, 1-based): chr11:6,632,516, C>T on the plus strand (G>A on the coding strand, the complement: DCHS1 is on the minus strand). VCF-style: chr11-6632516-C-T. GRCh37 (hg19) VCF-style: chr11-6653747-C-T.
Other names: short protein forms R999Q.
Identifiers: ClinVar variation 777854 (VCV000777854.38), dbSNP rs111781030, ClinGen allele CA5860618.

ClinVar aggregate classification (germline): Benign/Likely benign. Review status: criteria provided, multiple submitters, no conflicts (2 of 4 stars). 8 submissions from 8 submitters: Benign (2); Likely benign (3). 3 of the submissions do not count toward it. Last evaluated 2026-04-01.

Conditions:
DCHS1-related disorder. Also called: DCHS1-related condition.

Allele frequency attached by ClinVar (database versions not stated): 1000 Genomes Project 30x 0.00078; 1000 Genomes Project 0.00080; gnomAD exomes 0.00191 and 0.00385; TOPMed 0.00234; ESP Exome Variant Server 0.00262; gnomAD 0.00281; ExAC 0.00325.
gnomAD v4.1: 5,636 of 1,545,352 alleles (0.36%); highest among the groups gnomAD compares: Non-Finnish European, 0.46%; 15 homozygotes.

Submissions (8):

CeGaT Center for Human Genetics Tuebingen
Classification: Likely benign. Last evaluated: 2026-04-01. Review status: criteria provided, single submitter. Criteria: CeGaT Center For Human Genetics Tuebingen Variant Classification Criteria Version 2. Collection method: clinical testing. Allele origin: germline. Affected: yes. Observed: 5 variant alleles.
Comment: DCHS1: BP4, BS2

Labcorp Genetics (formerly Invitae), Labcorp
Classification: Benign. Last evaluated: 2026-02-01. Review status: criteria provided, single submitter. Criteria: Invitae Variant Classification Sherloc (09022015). Collection method: clinical testing. Allele origin: germline.

Blueprint Genetics
Classification: Benign. Last evaluated: 2024-11-08. Review status: criteria provided, single submitter. Criteria: ACMG Guidelines, 2015. Collection method: clinical testing. Allele origin: germline.

GeneDx
Classification: Likely benign. Last evaluated: 2021-01-07. Review status: criteria provided, single submitter. Criteria: GeneDx Variant Classification Process June 2021. Collection method: clinical testing. Allele origin: germline. Affected: yes.

Breakthrough Genomics
Classification: Likely benign. Review status: criteria provided, single submitter. Criteria: ACMG Guidelines, 2015. Collection method: not provided. Allele origin: germline. Inheritance: Autosomal recessive inheritance. Affected: yes.

PreventionGenetics, part of Exact Sciences
Classification: Likely benign for DCHS1-related condition. Last evaluated: 2022-10-10. Review status: no assertion criteria provided. Collection method: clinical testing. Allele origin: germline. Not counted in ClinVar's aggregate classification.
Comment: This variant is classified as likely benign based on ACMG/AMP sequence variant interpretation guidelines (Richards et al. 2015 PMID: 25741868, with internal and published modifications).

Clinical Genetics DNA and cytogenetics Diagnostics Lab, Erasmus MC, Erasmus Medical Center
Classification: Likely benign. Review status: no assertion criteria provided. Collection method: clinical testing. Allele origin: germline. Affected: yes. Study: VKGL Data-share Consensus. Not counted in ClinVar's aggregate classification.

Laboratory of Diagnostic Genome Analysis, Leiden University Medical Center (LUMC)
Classification: Likely benign. Review status: no assertion criteria provided. Collection method: clinical testing. Allele origin: germline. Affected: yes. Study: VKGL Data-share Consensus. Not counted in ClinVar's aggregate classification.